The following is an entry in ClinVar:

ClinVar aggregate classification (germline): Uncertain significance. Review status: criteria provided, multiple submitters, no conflicts (2 of 4 stars). 2 submissions from 2 submitters: Uncertain significance (2). Last evaluated 2022-10-19.

Conditions:
Cardiovascular phenotype. Identifiers: MedGen CN230736.
Dilated cardiomyopathy 1W (CMD1W). Identifiers: Orphanet 154, MedGen C1969639, MONDO:0012667, OMIM 611407.

Allele frequency attached by ClinVar (database versions not stated): TOPMed 0.00001.

Submissions (2):

Labcorp Genetics (formerly Invitae), Labcorp
Classification: Uncertain significance for Dilated cardiomyopathy 1W. Last evaluated: 2022-10-19. Review status: criteria provided, single submitter. Criteria: Invitae Variant Classification Sherloc (09022015). Collection method: clinical testing. Allele origin: germline.
Comment: In summary, the available evidence is currently insufficient to determine the role of this variant in disease. Therefore, it has been classified as a Variant of Uncertain Significance. Algorithms developed to predict the effect of missense changes on protein structure and function are either unavailable or do not agree on the potential impact of this missense change (SIFT: "Not Available"; PolyPhen-2: "Benign"; Align-GVGD: "Not Available"). This variant has not been reported in the literature in individuals affected with VCL-related conditions. This variant is not present in population databases (gnomAD no frequency). This sequence change replaces alanine, which is neutral and non-polar, with threonine, which is neutral and polar, at codon 45 of the VCL protein (p.Ala45Thr).

Ambry Genetics
Classification: Uncertain significance for Cardiovascular phenotype. Last evaluated: 2022-04-03. Review status: criteria provided, single submitter. Criteria: Ambry Variant Classification Scheme 2023. Collection method: clinical testing. Allele origin: germline.
Comment: The p.A45T variant (also known as c.133G>A), located in coding exon 1 of the VCL gene, results from a G to A substitution at nucleotide position 133. The alanine at codon 45 is replaced by threonine, an amino acid with similar properties. This amino acid position is conserved. In addition, this alteration is predicted to be tolerated by in silico analysis. Since supporting evidence is limited at this time, the clinical significance of this alteration remains unclear.

NM_014000.3(VCL):c.133G>A (p.Ala45Thr)

Genes: VCL (vinculin; plus strand), LOC130004109 (ATAC-STARR-seq lymphoblastoid active region 3587; plus strand). Cytogenetic location: 10q22.2.
Variant type: single nucleotide variant.
Coding change: c.133G>A on transcript NM_014000.3 (MANE Select); coding-DNA position 133, G replaced by A.
Protein change: p.Ala45Thr; replaces alanine 45 with threonine.
Molecular consequence: missense variant.
Genome position (GRCh38, 1-based): chr10:73,998,340, G>A. VCF-style: chr10-73998340-G-A. GRCh37 (hg19) VCF-style: chr10-75758098-G-A.
Other names: c.133G>A, p.Ala45Thr (NM_003373.4); short protein forms A45T.
Identifiers: ClinVar variation 1770329 (VCV001770329.7), dbSNP rs1840154859, ClinGen allele CA377255364.
Genomic context (GRCh38, chr10:73,998,340, plus strand): 5'-ATAATGCACGAGGAGGGCGAGGTGGACGGCAAAGCCATTCCTGACCTCACCGCGCCCGTG[G>A]CCGCCGTGCAGGCGGCCGTCAGCAACCTCGTCCGGGTGAGCGCGCAGGGCCTGGCGCGGG-3'
Protein context (NP_054706.1, residues 35-55): KAIPDLTAPV[Ala45Thr]AVQAAVSNLV